The following is an entry in ClinVar:

ClinVar aggregate classification (germline): Uncertain significance (1 of 4 stars; one submission).

gnomAD v4.1: 12 of 1,607,224 alleles (0.00075%); no homozygotes.

Submission:

Labcorp Genetics (formerly Invitae), Labcorp
Classification: Uncertain significance. Last evaluated: 2025-06-11. Review status: criteria provided, single submitter. Criteria: Invitae Variant Classification Sherloc (09022015). Collection method: clinical testing. Allele origin: germline.
Comment: This sequence change replaces alanine, which is neutral and non-polar, with valine, which is neutral and non-polar, at codon 258 of the COL18A1 protein (p.Ala258Val). This variant is present in population databases (rs771358190, gnomAD 0.02%). This variant has not been reported in the literature in individuals affected with COL18A1-related conditions. Experimental studies and prediction algorithms are not available or were not evaluated, and the functional significance of this variant is currently unknown. In summary, the available evidence is currently insufficient to determine the role of this variant in disease. Therefore, it has been classified as a Variant of Uncertain Significance.

NM_001379500.1(COL18A1):c.773C>T (p.Ala258Val)

Gene: COL18A1 (collagen type XVIII alpha 1 chain; plus strand). Cytogenetic location: 21q22.3.
Variant type: single nucleotide variant.
Coding change: c.773C>T on transcript NM_001379500.1 (MANE Select); coding-DNA position 773, C replaced by T.
Protein change: p.Ala258Val; replaces alanine 258 with valine.
Molecular consequence: missense variant.
Genome position (GRCh38, 1-based): chr21:45,475,510, C>T. VCF-style: chr21-45475510-C-T. GRCh37 (hg19) VCF-style: chr21-46895424-C-T.
Other names: c.1313C>T, p.Ala438Val (NM_030582.4); c.2018C>T, p.Ala673Val (NM_130444.3); short protein forms A258V, A673V, A438V.
Identifiers: ClinVar variation 4775915 (VCV004775915.1).